The following is an entry in ClinVar:

ClinVar aggregate classification (germline): Likely benign. Review status: criteria provided, single submitter (1 of 4 stars). 2 submissions from 2 submitters: Likely benign (1). 1 of the submissions does not count toward it. Last evaluated 2026-07-01.

Conditions:
ASH1L-related disorder. Also called: ASH1L-related condition.

Allele frequency attached by ClinVar (database versions not stated): ESP Exome Variant Server 0.00015; gnomAD exomes 0.00018 and 0.00028; TOPMed 0.00018; gnomAD 0.00019 and 0.00020; ExAC 0.00021.
gnomAD v4.1: 310 of 1,614,084 alleles (0.019%); highest among the groups gnomAD compares: Middle Eastern, 0.15%; 3 homozygotes.

Submissions (2):

CeGaT Center for Human Genetics Tuebingen
Classification: Likely benign. Last evaluated: 2026-07-01. Review status: criteria provided, single submitter. Criteria: CeGaT Center For Human Genetics Tuebingen Variant Classification Criteria Version 2. Collection method: clinical testing. Allele origin: germline. Affected: yes. Observed: 2 variant alleles.
Comment: ASH1L: BP4, BP7

PreventionGenetics, part of Exact Sciences
Classification: Benign for ASH1L-related condition. Last evaluated: 2019-11-18. Review status: no assertion criteria provided. Collection method: clinical testing. Allele origin: germline. Not counted in ClinVar's aggregate classification.
Comment: This variant is classified as benign based on ACMG/AMP sequence variant interpretation guidelines (Richards et al. 2015 PMID: 25741868, with internal and published modifications).

NM_018489.3(ASH1L):c.5349T>C (p.Ser1783=)

Gene: ASH1L (ASH1 like histone lysine methyltransferase; minus strand). Cytogenetic location: 1q22.
Variant type: single nucleotide variant.
Coding change: c.5349T>C on transcript NM_018489.3 (MANE Select); coding-DNA position 5349, T replaced by C.
Protein change: p.Ser1783=; no amino-acid change (serine 1783 retained).
Molecular consequence: synonymous variant.
Genome position (GRCh38, 1-based): chr1:155,438,806, A>G on the plus strand (T>C on the coding strand, the complement: ASH1L is on the minus strand). VCF-style: chr1-155438806-A-G. GRCh37 (hg19) VCF-style: chr1-155408597-A-G.
Other names: c.5349T>C (NM_018489.2); c.5349T>C, p.Ser1783= (NM_001366177.2).
Identifiers: ClinVar variation 1012744 (VCV001012744.39), dbSNP rs147845232, ClinGen allele CA1146763.